The following is an entry in ClinVar:

ClinVar aggregate classification (germline): Uncertain significance. Review status: criteria provided, multiple submitters, no conflicts (2 of 4 stars). 2 submissions from 2 submitters: Uncertain significance (2). Last evaluated 2020-12-03.

Submissions (2):

Labcorp Genetics (formerly Invitae), Labcorp
Classification: Uncertain significance. Last evaluated: 2020-12-03. Review status: criteria provided, single submitter. Criteria: Invitae Variant Classification Sherloc (09022015). Collection method: clinical testing. Allele origin: germline.
Comment: In summary, the available evidence is currently insufficient to determine the role of this variant in disease. Therefore, it has been classified as a Variant of Uncertain Significance. Algorithms developed to predict the effect of missense changes on protein structure and function are either unavailable or do not agree on the potential impact of this missense change (SIFT: "Deleterious"; PolyPhen-2: "Benign"; Align-GVGD: "Class C0"). This variant has not been reported in the literature in individuals with CTNNA1-related conditions. This variant is not present in population databases (ExAC no frequency). This sequence change replaces isoleucine with leucine at codon 712 of the CTNNA1 protein (p.Ile712Leu). The isoleucine residue is highly conserved and there is a small physicochemical difference between isoleucine and leucine.

Blueprint Genetics
Classification: Uncertain significance. Last evaluated: 2019-06-17. Review status: criteria provided, single submitter. Criteria: ACMG Guidelines, 2015. Collection method: clinical testing. Allele origin: germline.

NM_001903.5(CTNNA1):c.2134A>C (p.Ile712Leu)

Gene: CTNNA1 (catenin alpha 1; plus strand). Cytogenetic location: 5q31.2.
Variant type: single nucleotide variant.
Coding change: c.2134A>C on transcript NM_001903.5 (MANE Select); coding-DNA position 2134, A replaced by C.
Protein change: p.Ile712Leu; replaces isoleucine 712 with leucine.
Molecular consequence: missense variant.
Genome position (GRCh38, 1-based): chr5:138,930,596, A>C. VCF-style: chr5-138930596-A-C. GRCh37 (hg19) VCF-style: chr5-138266285-A-C.
Other names: c.2134A>C, p.Ile712Leu (NM_001290307.3, NM_001323982.2, NM_001323983.1 and 2 more transcripts); c.1825A>C, p.Ile609Leu (NM_001290309.3); c.1765A>C, p.Ile589Leu (NM_001290310.3); c.1024A>C, p.Ile342Leu (NM_001290312.1, NM_001323987.1, NM_001323988.1 and 17 more transcripts); c.2041A>C, p.Ile681Leu (NM_001323986.2); c.685A>C, p.Ile229Leu (NM_001324006.1, NM_001324007.1, NM_001324008.1 and 2 more transcripts); c.931A>C, p.Ile311Leu (NM_001324011.1); c.781A>C, p.Ile261Leu (NM_001324012.1, NM_001324013.1); short protein forms I311L, I342L, I261L, I609L, I712L, I229L, I589L, I681L.
Identifiers: ClinVar variation 1427291 (VCV001427291.9), dbSNP rs2150334776, ClinGen allele CA361133585.